The following is an entry in ClinVar:

ClinVar aggregate classification (germline): Likely benign. Review status: criteria provided, multiple submitters, no conflicts (2 of 4 stars). 2 submissions from 2 submitters: Likely benign (2). Last evaluated 2026-07-06.

Conditions:
Rhabdoid tumor predisposition syndrome 2 (RTPS2). Identifiers: Orphanet 231108, Orphanet 69077, MedGen C2750074, MONDO:0013224, OMIM 613325.

Allele frequency attached by ClinVar (database versions not stated): TOPMed below 0.00001; gnomAD exomes 0.00001.
gnomAD v4.1: 6 of 1,613,034 alleles (0.00037%); highest among the groups gnomAD compares: Non-Finnish European, 0.00051%; no homozygotes.

Submissions (2):

Myriad Genetics, Inc.
Classification: Likely benign for Rhabdoid tumor predisposition syndrome 2. Last evaluated: 2026-07-06. Review status: criteria provided, single submitter. Criteria: Myriad Autosomal Dominant, Autosomal Recessive and X-Linked Classification Criteria (2023). Collection method: clinical testing. Allele origin: unknown.
Comment: This variant is considered likely benign. This variant is intronic and is not expected to impact mRNA splicing.

Labcorp Genetics (formerly Invitae), Labcorp
Classification: Likely benign for Rhabdoid tumor predisposition syndrome 2. Last evaluated: 2025-12-30. Review status: criteria provided, single submitter. Criteria: Invitae Variant Classification Sherloc (09022015). Collection method: clinical testing. Allele origin: germline.

NM_003072.5(SMARCA4):c.860-11C>T

Gene: SMARCA4 (SWI/SNF related BAF chromatin remodeling complex subunit ATPase 4; plus strand). Cytogenetic location: 19p13.2.
Variant type: single nucleotide variant.
Coding change: c.860-11C>T on transcript NM_003072.5 (MANE Select); 11 bases into the intron before coding-DNA position 860, C replaced by T.
Molecular consequence: intron variant.
Genome position (GRCh38, 1-based): chr19:10,987,655, C>T. VCF-style: chr19-10987655-C-T. GRCh37 (hg19) VCF-style: chr19-11098331-C-T.
Other names: c.860-11C>T (NM_001128844.3, NM_001128849.3, NM_001128847.4 and 5 more transcripts).
Identifiers: ClinVar variation 1530434 (VCV001530434.9), dbSNP rs2086174389, ClinGen allele CA2322708414.